The following is an entry in ClinVar:

ClinVar aggregate classification (germline): Uncertain significance (1 of 4 stars; one submission).

Submission:

Labcorp Genetics (formerly Invitae), Labcorp
Classification: Uncertain significance. Last evaluated: 2024-09-20. Review status: criteria provided, single submitter. Criteria: Invitae Variant Classification Sherloc (09022015). Collection method: clinical testing. Allele origin: germline.
Comment: This sequence change replaces serine, which is neutral and polar, with phenylalanine, which is neutral and non-polar, at codon 855 of the BMP1 protein (p.Ser855Phe). This variant is not present in population databases (gnomAD no frequency). This variant has not been reported in the literature in individuals affected with BMP1-related conditions. Invitae Evidence Modeling of protein sequence and biophysical properties (such as structural, functional, and spatial information, amino acid conservation, physicochemical variation, residue mobility, and thermodynamic stability) indicates that this missense variant is not expected to disrupt BMP1 protein function with a negative predictive value of 80%. In summary, the available evidence is currently insufficient to determine the role of this variant in disease. Therefore, it has been classified as a Variant of Uncertain Significance.

NM_006129.5(BMP1):c.2564C>T (p.Ser855Phe)

Gene: BMP1 (bone morphogenetic protein 1; plus strand). Cytogenetic location: 8p21.3.
Variant type: single nucleotide variant.
Coding change: c.2564C>T on transcript NM_006129.5 (MANE Select); coding-DNA position 2564, C replaced by T.
Protein change: p.Ser855Phe; replaces serine 855 with phenylalanine.
Molecular consequence: missense variant. On other transcripts: non-coding transcript variant (1).
Genome position (GRCh38, 1-based): chr8:22,207,505, C>T. VCF-style: chr8-22207505-C-T. GRCh37 (hg19) VCF-style: chr8-22065018-C-T.
Other names: short protein forms S855F.
Identifiers: ClinVar variation 3662300 (VCV003662300.2).